The following is an entry in ClinVar:

NM_001845.6(COL4A1):c.3581C>G (p.Pro1194Arg)

Gene: COL4A1 (collagen type IV alpha 1 chain; minus strand). Cytogenetic location: 13q34.
Variant type: single nucleotide variant.
Coding change: c.3581C>G on transcript NM_001845.6 (MANE Select); coding-DNA position 3581, C replaced by G.
Protein change: p.Pro1194Arg; replaces proline 1194 with arginine.
Molecular consequence: missense variant.
Genome position (GRCh38, 1-based): chr13:110,170,708, G>C on the plus strand (C>G on the coding strand, the complement: COL4A1 is on the minus strand). VCF-style: chr13-110170708-G-C. GRCh37 (hg19) VCF-style: chr13-110823055-G-C.
Other names: short protein forms P1194R.
Identifiers: ClinVar variation 5019414 (VCV005019414.2).

ClinVar aggregate classification (germline): Uncertain significance (1 of 4 stars; one submission).

Conditions:
Microangiopathy and leukoencephalopathy, pontine, autosomal dominant. Also called: DEMENTIA, HEREDITARY MULTI-INFARCT, SWEDISH TYPE; Pontine autosomal dominant microangiopathy with leukoencephalopathy. Identifiers: Orphanet 477749, MedGen C5231411, MONDO:0032814, OMIM 618564.
Retinal arterial tortuosity. Also called: RETINAL HEMORRHAGE WITH VASCULAR TORTUOSITY; Retinal arteries, tortuosity of. Identifiers: Orphanet 75326, MedGen C0423401, MONDO:0008373, OMIM 180000, HP:0000631.
Hemorrhage, intracerebral, susceptibility to (ICH). Also called: Stroke, hemorrhagic, susceptibility to. Identifiers: MedGen C3281105, MONDO:0100533, OMIM 614519.
Brain small vessel disease 1 with or without ocular anomalies (BSVD1). Also called: Brain small vessel disease with or without ocular anomalies; BRAIN SMALL VESSEL DISEASE WITH HEMORRHAGE; PORENCEPHALY, TYPE 1, AUTOSOMAL DOMINANT; GOULD SYNDROME 1. Identifiers: Orphanet 2940, Orphanet 36383, Orphanet 99810, MedGen C4755307, MONDO:0008289, OMIM 175780.
Autosomal dominant familial hematuria-retinal arteriolar tortuosity-contractures syndrome. Also called: Angiopathy, hereditary, with nephropathy, aneurysms, and muscle cramps; Hereditary Angiopathy with Nephropathy, Aneurysms, and Muscle Cramps (HANAC) Syndrome. Identifiers: Orphanet 73229, MedGen C2673195, MONDO:0012726, OMIM 611773.

Submission:

Juno Genomics, Hangzhou Juno Genomics, Inc
Classification: Uncertain significance for Retinal arterial tortuosity; Hemorrhage, intracerebral, susceptibility to; Autosomal dominant familial hematuria-retinal arteriolar tortuosity-contractures syndrome; Brain small vessel disease 1 with or without ocular anomalies; Microangiopathy and leukoencephalopathy, pontine, autosomal dominant. Review status: criteria provided, single submitter. Criteria: ACMG Guidelines, 2015. Collection method: clinical testing. Allele origin: germline.
Comment: Absent from controls (or at extremely low frequency if recessive) in Genome Aggregation Database.;Multiple lines of computational evidence support a deleterious effect on the gene or gene product.;Missense variant in a gene that has a low rate of benign missense variation.